The following is an entry in ClinVar:

NM_001063.4(TF):c.582A>G (p.Pro194=)

Gene: TF (transferrin; plus strand). Cytogenetic location: 3q22.1.
Variant type: single nucleotide variant.
Coding change: c.582A>G on transcript NM_001063.4 (MANE Select); coding-DNA position 582, A replaced by G.
Protein change: p.Pro194=; no amino-acid change (proline 194 retained).
Molecular consequence: synonymous variant.
Genome position (GRCh38, 1-based): chr3:133,755,442, A>G. VCF-style: chr3-133755442-A-G. GRCh37 (hg19) VCF-style: chr3-133474286-A-G.
Other names: c.450A>G, p.Pro150= (NM_001354703.2); c.201A>G, p.Pro67= (NM_001354704.2).
Identifiers: ClinVar variation 343434 (VCV000343434.17), dbSNP rs8177226, ClinGen allele CA2625014.

ClinVar aggregate classification (germline): Benign. Review status: criteria provided, multiple submitters, no conflicts (2 of 4 stars). 4 submissions from 4 submitters: Benign (3). 1 of the submissions does not count toward it. Last evaluated 2026-01-31.

Conditions:
TF-related disorder. Also called: TF-related condition.
Atransferrinemia. Also called: Familial hypotransferrinemia. Identifiers: Orphanet 1195, MedGen C0521802, MONDO:0008846, OMIM 209300, HP:0012239.

Allele frequency attached by ClinVar (database versions not stated): gnomAD exomes 0.00105 and 0.00271; ExAC 0.00332; gnomAD 0.01043 and 0.01102; ESP Exome Variant Server 0.01184; TOPMed 0.01202; 1000 Genomes Project 0.01258; 1000 Genomes Project 30x 0.01421.
gnomAD v4.1: 3,198 of 1,614,232 alleles (0.2%); highest among the groups gnomAD compares: African/African-American, 3.7%; 62 homozygotes.

Submissions (4):

Labcorp Genetics (formerly Invitae), Labcorp
Classification: Benign. Last evaluated: 2026-01-31. Review status: criteria provided, single submitter. Criteria: Invitae Variant Classification Sherloc (09022015). Collection method: clinical testing. Allele origin: germline.

Illumina Laboratory Services, Illumina
Classification: Benign for Atransferrinemia. Last evaluated: 2018-01-13. Review status: criteria provided, single submitter. Criteria: ICSL Variant Classification Criteria 13 December 2019. Collection method: clinical testing. Allele origin: germline.
Comment: This variant was observed in the ICSL laboratory as part of a predisposition screen in an ostensibly healthy population. It had not been previously curated by ICSL or reported in the Human Gene Mutation Database (HGMD: prior to June 1st, 2018), and was therefore a candidate for classification through an automated scoring system. Utilizing variant allele frequency, disease prevalence and penetrance estimates, and inheritance mode, an automated score was calculated to assess if this variant is too frequent to cause the disease. Based on the score and internal cut-off values, a variant classified as benign is not then subjected to further curation. The score for this variant resulted in a classification of benign for this disease.

Breakthrough Genomics
Classification: Benign. Review status: criteria provided, single submitter. Criteria: ACMG Guidelines, 2015. Collection method: not provided. Allele origin: germline. Inheritance: Autosomal recessive inheritance. Affected: yes.

PreventionGenetics, part of Exact Sciences
Classification: Likely benign for TF-related condition. Last evaluated: 2020-01-02. Review status: no assertion criteria provided. Collection method: clinical testing. Allele origin: germline. Not counted in ClinVar's aggregate classification.
Comment: This variant is classified as likely benign based on ACMG/AMP sequence variant interpretation guidelines (Richards et al. 2015 PMID: 25741868, with internal and published modifications).